The following is an entry in ClinVar:

NM_001110556.2(FLNA):c.6511A>G (p.Ile2171Val)

Gene: FLNA (filamin A; minus strand). Cytogenetic location: Xq28.
Variant type: single nucleotide variant.
Coding change: c.6511A>G on transcript NM_001110556.2 (MANE Select); coding-DNA position 6511, A replaced by G.
Protein change: p.Ile2171Val; replaces isoleucine 2171 with valine.
Molecular consequence: missense variant.
Genome position (GRCh38, 1-based): chrX:154,352,439, T>C on the plus strand (A>G on the coding strand, the complement: FLNA is on the minus strand). VCF-style: chrX-154352439-T-C. GRCh37 (hg19) VCF-style: chrX-153580807-T-C.
Other names: c.6487A>G, p.Ile2163Val (NM_001456.4); short protein forms I2163V, I2171V.
Identifiers: ClinVar variation 2929492 (VCV002929492.3), dbSNP rs1190530899, ClinGen allele CA415191578.

ClinVar aggregate classification (germline): Uncertain significance (1 of 4 stars; one submission).

Conditions:
Oto-palato-digital syndrome, type II (OPD2). Also called: Otopalatodigital Syndrome Type 2 (FLNA-OPD2); FACIOPALATOOSSEOUS SYNDROME; OPD II SYNDROME; Otopalatodigital Syndrome, Type II. Identifiers: Orphanet 669, Orphanet 90652, MedGen C1844696, MONDO:0010571, OMIM 304120.
Heterotopia, periventricular, X-linked dominant (PVNH1). Also called: PERIVENTRICULAR NODULAR HETEROTOPIA 1; X-linked periventricular heterotopia; PERIVENTRICULAR NODULAR HETEROTOPIA 4; HETEROTOPIA, PERIVENTRICULAR, 1. Identifiers: Orphanet 2149, Orphanet 82004, MedGen C1848213, MONDO:0010233, OMIM 300049.
Melnick-Needles syndrome (MNS). Also called: Melnick-Needles Syndrome (FLNA-MNS); MELNICK-NEEDLES OSTEODYSPLASTY; OSTEODYSPLASTY OF MELNICK AND NEEDLES. Identifiers: Orphanet 2484, MedGen C0025237, MONDO:0010650, OMIM 309350.
Frontometaphyseal dysplasia (FMD1). Identifiers: Orphanet 1826, MedGen C0265293, MONDO:0015942.

Allele frequency attached by ClinVar (database versions not stated): TOPMed below 0.00001; gnomAD 0.00001.
gnomAD v4.1: 1 of 1,210,606 alleles (0.000083%); highest among the groups gnomAD compares: African/African-American, 0.0017%; no homozygotes.

Submission:

Labcorp Genetics (formerly Invitae), Labcorp
Classification: Uncertain significance for Oto-palato-digital syndrome, type II; Heterotopia, periventricular, X-linked dominant; Frontometaphyseal dysplasia; Melnick-Needles syndrome. Last evaluated: 2023-03-27. Review status: criteria provided, single submitter. Criteria: Invitae Variant Classification Sherloc (09022015). Collection method: clinical testing. Allele origin: germline.
Comment: In summary, the available evidence is currently insufficient to determine the role of this variant in disease. Therefore, it has been classified as a Variant of Uncertain Significance. Advanced modeling of protein sequence and biophysical properties (such as structural, functional, and spatial information, amino acid conservation, physicochemical variation, residue mobility, and thermodynamic stability) performed at Invitae indicates that this missense variant is not expected to disrupt FLNA protein function. This variant has not been reported in the literature in individuals affected with FLNA-related conditions. This variant is not present in population databases (gnomAD no frequency). This sequence change replaces isoleucine, which is neutral and non-polar, with valine, which is neutral and non-polar, at codon 2163 of the FLNA protein (p.Ile2163Val).